The following is an entry in ClinVar:

NM_005546.4(ITK):c.237G>A (p.Pro79=)

Gene: ITK (IL2 inducible T cell kinase; plus strand). Cytogenetic location: 5q33.3.
Variant type: single nucleotide variant.
Coding change: c.237G>A on transcript NM_005546.4 (MANE Select); coding-DNA position 237, G replaced by A.
Protein change: p.Pro79=; no amino-acid change (proline 79 retained).
Molecular consequence: synonymous variant.
Genome position (GRCh38, 1-based): chr5:157,208,987, G>A. VCF-style: chr5-157208987-G-A. GRCh37 (hg19) VCF-style: chr5-156635998-G-A.
Other names: p.Pro79=.
Identifiers: ClinVar variation 352458 (VCV000352458.18), dbSNP rs201403794, ClinGen allele CA3532663.

ClinVar aggregate classification (germline): Conflicting classifications of pathogenicity. Review status: criteria provided, conflicting classifications (1 of 4 stars). 4 submissions from 4 submitters: Uncertain significance (1); Likely benign (3). Last evaluated 2026-01-22.

Conditions:
Lymphoproliferative syndrome 1 (LPFS1). Identifiers: Orphanet 238505, Orphanet 538963, MedGen C3552634, MONDO:0013081, OMIM 613011.

Allele frequency attached by ClinVar (database versions not stated): ESP Exome Variant Server 0.00015; gnomAD 0.00021 and 0.00024; TOPMed 0.00022; gnomAD exomes 0.00029 and 0.00035; ExAC 0.00038; 1000 Genomes Project 0.00040; 1000 Genomes Project 30x 0.00047.
gnomAD v4.1: 471 of 1,607,372 alleles (0.029%); highest among the groups gnomAD compares: Middle Eastern, 0.4%; 2 homozygotes.

Submissions (4):

Labcorp Genetics (formerly Invitae), Labcorp
Classification: Likely benign for Lymphoproliferative syndrome 1. Last evaluated: 2026-01-22. Review status: criteria provided, single submitter. Criteria: Invitae Variant Classification Sherloc (09022015). Collection method: clinical testing. Allele origin: germline.

Mayo Clinic Laboratories, Mayo Clinic
Classification: Likely benign. Last evaluated: 2025-07-08. Review status: criteria provided, single submitter. Criteria: ACMG Guidelines, 2015. Collection method: clinical testing. Allele origin: germline. Observed: 2 variant alleles.
Comment: BP4, BP7

Blueprint Genetics
Classification: Likely benign. Last evaluated: 2024-11-06. Review status: criteria provided, single submitter. Criteria: ACMG Guidelines, 2015. Collection method: clinical testing. Allele origin: germline.

Illumina Laboratory Services, Illumina
Classification: Uncertain significance for Lymphoproliferative syndrome 1. Last evaluated: 2018-01-13. Review status: criteria provided, single submitter. Criteria: ICSL Variant Classification Criteria 13 December 2019. Collection method: clinical testing. Allele origin: germline.